The following is an entry in ClinVar:

ClinVar aggregate classification (germline): Uncertain significance (1 of 4 stars; one submission).

Conditions:
ACTH-independent macronodular adrenal hyperplasia 2. Also called: PRIMARY MACRONODULAR ADRENAL HYPERPLASIA. Identifiers: Orphanet 189427, MedGen C4014803, MONDO:0014416, OMIM 615954.

Submission:

Juno Genomics, Hangzhou Juno Genomics, Inc
Classification: Uncertain significance for ACTH-independent macronodular adrenal hyperplasia 2. Review status: criteria provided, single submitter. Criteria: ACMG Guidelines, 2015. Collection method: clinical testing. Allele origin: germline.
Comment: Absent from controls (or at extremely low frequency if recessive) in Genome Aggregation Database.

NM_001105247.2(ARMC5):c.953T>C (p.Leu318Pro)

Gene: ARMC5 (armadillo repeat containing 5; plus strand). Cytogenetic location: 16p11.2.
Variant type: single nucleotide variant.
Coding change: c.953T>C on transcript NM_001105247.2 (MANE Select); coding-DNA position 953, T replaced by C.
Protein change: p.Leu318Pro; replaces leucine 318 with proline.
Molecular consequence: missense variant.
Genome position (GRCh38, 1-based): chr16:31,462,500, T>C. VCF-style: chr16-31462500-T-C. GRCh37 (hg19) VCF-style: chr16-31473821-T-C.
Other names: c.1238T>C, p.Leu413Pro (NM_001288767.2); c.1049T>C, p.Leu350Pro (NM_001301820.1); c.953T>C, p.Leu318Pro (NM_024742.2); short protein forms L318P, L413P, L350P.
Identifiers: ClinVar variation 5005577 (VCV005005577.2).